The following is an entry in ClinVar:

NM_053013.4(ENO3):c.829G>A (p.Gly277Arg)

Gene: ENO3 (enolase 3; plus strand). Cytogenetic location: 17p13.2.
Variant type: single nucleotide variant.
Coding change: c.829G>A on transcript NM_053013.4 (MANE Select); coding-DNA position 829, G replaced by A.
Protein change: p.Gly277Arg; replaces glycine 277 with arginine.
Molecular consequence: missense variant.
Genome position (GRCh38, 1-based): chr17:4,955,568, G>A. VCF-style: chr17-4955568-G-A. GRCh37 (hg19) VCF-style: chr17-4858863-G-A.
Other names: c.829G>A (NM_053013.3); c.700G>A, p.Gly234Arg (NM_001193503.2); c.829G>A, p.Gly277Arg (NM_001374523.1, NM_001976.5); c.856G>A, p.Gly286Arg (NM_001374524.1); short protein forms G234R, G277R, G286R.
Identifiers: ClinVar variation 2168042 (VCV002168042.2), dbSNP rs199785068, ClinGen allele CA8316447.

ClinVar aggregate classification (germline): Uncertain significance. Review status: criteria provided, multiple submitters, no conflicts (2 of 4 stars). 2 submissions from 2 submitters: Uncertain significance (2). Last evaluated 2025-01-14.

Conditions:
Inborn genetic diseases. Identifiers: MedGen C0950123, MeSH D030342.
Glycogen storage disease due to muscle beta-enolase deficiency (GSD13). Also called: Glycogen Storage Disease Type XIII; ENOLASE 3 DEFICIENCY; ENOLASE-BETA DEFICIENCY; GSD XIII. Identifiers: Orphanet 99849, MedGen C2752027, MONDO:0013046, OMIM 612932.

Allele frequency attached by ClinVar (database versions not stated): gnomAD 0.00002; TOPMed 0.00002; ExAC 0.00003; 1000 Genomes Project 0.00020; 1000 Genomes Project 30x 0.00031.
gnomAD v4.1: 22 of 1,614,220 alleles (0.0014%); highest among the groups gnomAD compares: Admixed American, 0.0067%; no homozygotes.

Submissions (2):

Ambry Genetics
Classification: Uncertain significance for Inborn genetic diseases. Last evaluated: 2025-01-14. Review status: criteria provided, single submitter. Criteria: Ambry Variant Classification Scheme 2023. Collection method: clinical testing. Allele origin: germline.

Labcorp Genetics (formerly Invitae), Labcorp
Classification: Uncertain significance for Glycogen storage disease due to muscle beta-enolase deficiency. Last evaluated: 2022-04-20. Review status: criteria provided, single submitter. Criteria: Invitae Variant Classification Sherloc (09022015). Collection method: clinical testing. Allele origin: germline.
Comment: This sequence change replaces glycine, which is neutral and non-polar, with arginine, which is basic and polar, at codon 277 of the ENO3 protein (p.Gly277Arg). This variant is present in population databases (rs199785068, gnomAD 0.006%). This variant has not been reported in the literature in individuals affected with ENO3-related conditions. Algorithms developed to predict the effect of missense changes on protein structure and function are either unavailable or do not agree on the potential impact of this missense change (SIFT: "Deleterious"; PolyPhen-2: "Probably Damaging"; Align-GVGD: "Class C0"). In summary, the available evidence is currently insufficient to determine the role of this variant in disease. Therefore, it has been classified as a Variant of Uncertain Significance.